The following is an entry in ClinVar:

ClinVar aggregate classification (germline): Likely pathogenic (1 of 4 stars; one submission).

Conditions:
Autosomal recessive limb-girdle muscular dystrophy type 2T. Also called: Limb-girdle muscular dystrophy-dystroglycanopathy, type C14; MUSCULAR DYSTROPHY-DYSTROGLYCANOPATHY, LIMB-GIRDLE, GMPPB-RELATED; MUSCULAR DYSTROPHY, LIMB-GIRDLE, TYPE 2T; Muscular dystrophy-dystroglycanopathy (limb-girdle), type c, 14. Identifiers: Orphanet 363623, MedGen C4518000, MONDO:0014142, OMIM 615352.
Muscular dystrophy-dystroglycanopathy (congenital with impaired intellectual development), type B, 14. Also called: Congenital muscular dystrophy-dystroglycanopathy with mental retardation, type B14; Muscular dystrophy-dystroglycanopathy (congenital with intellectual disability), type B14; MUSCULAR DYSTROPHY, CONGENITAL, GMPPB-RELATED. Identifiers: MedGen C3809221, MONDO:0014141, OMIM 615351.
Muscular dystrophy-dystroglycanopathy (congenital with brain and eye anomalies), type A14. Also called: Congenital Muscular Dystrophy-Dystroglycanopathy with Brain and Eye Anomalies Type A 14; Congenital muscular dystrophy-dystroglycanopathy with brain and eye anomalies, type A14; Muscular dystrophy-dystroglycanopathy (congenital with brain and eye anomalies), type a, 14; WALKER-WARBURG SYNDROME OR MUSCLE-EYE-BRAIN DISEASE, GMPPB-RELATED. Identifiers: Orphanet 588, MedGen C3809216, MONDO:0014140, OMIM 615350.

Submission:

Labcorp Genetics (formerly Invitae), Labcorp
Classification: Likely pathogenic for Autosomal recessive limb-girdle muscular dystrophy type 2T; Muscular dystrophy-dystroglycanopathy (congenital with brain and eye anomalies), type A14; Muscular dystrophy-dystroglycanopathy (congenital with impaired intellectual development), type B, 14. Last evaluated: 2024-05-28. Review status: criteria provided, single submitter. Criteria: Invitae Variant Classification Sherloc (09022015). Collection method: clinical testing. Allele origin: germline.
Comment: This sequence change affects an acceptor splice site in intron 7 of the GMPPB gene. It is expected to disrupt RNA splicing. Variants that disrupt the donor or acceptor splice site typically lead to a loss of protein function (PMID: 16199547), and loss-of-function variants in GMPPB are known to be pathogenic (PMID: 23768512, 26310427). This variant is not present in population databases (gnomAD no frequency). This variant has not been reported in the literature in individuals affected with GMPPB-related conditions. ClinVar contains an entry for this variant (Variation ID: 1066587). Algorithms developed to predict the effect of sequence changes on RNA splicing suggest that this variant may disrupt the consensus splice site. In summary, the currently available evidence indicates that the variant is pathogenic, but additional data are needed to prove that conclusively. Therefore, this variant has been classified as Likely Pathogenic.

Literature cited by the submitters: PubMed 16199547; PubMed 23768512; PubMed 26310427.

NM_021971.4(GMPPB):c.769-2A>G

Gene: GMPPB (GDP-mannose pyrophosphorylase B; minus strand). Cytogenetic location: 3p21.31.
Variant type: single nucleotide variant.
Coding change: c.769-2A>G on transcript NM_021971.4 (MANE Select); the canonical splice acceptor site of the intron before coding-DNA position 769, A replaced by G.
Molecular consequence: splice acceptor variant.
Genome position (GRCh38, 1-based): chr3:49,722,149, T>C on the plus strand (A>G on the coding strand, the complement: GMPPB is on the minus strand). VCF-style: chr3-49722149-T-C. GRCh37 (hg19) VCF-style: chr3-49759582-T-C.
Other names: c.769-2A>G (NM_013334.4).
Identifiers: ClinVar variation 1066587 (VCV001066587.5), dbSNP rs2080423660, ClinGen allele CA352827878.